The following is an entry in ClinVar:

ClinVar aggregate classification (germline): Likely benign (1 of 4 stars; one submission).

gnomAD v4.1: 26 of 1,208,809 alleles (0.0022%); highest among the groups gnomAD compares: Middle Eastern, 0.023%; no homozygotes.

Submission:

CeGaT Center for Human Genetics Tuebingen
Classification: Likely benign. Last evaluated: 2026-08-01. Review status: criteria provided, single submitter. Criteria: CeGaT Center For Human Genetics Tuebingen Variant Classification Criteria Version 2. Collection method: clinical testing. Allele origin: germline. Affected: yes. Observed: 1 variant allele.
Comment: HUWE1: BP4, BS2

NM_031407.7(HUWE1):c.8392A>G (p.Thr2798Ala)

Gene: HUWE1 (HECT, UBA and WWE domain containing E3 ubiquitin protein ligase 1; minus strand). Cytogenetic location: Xp11.22.
Variant type: single nucleotide variant.
Coding change: c.8392A>G on transcript NM_031407.7 (MANE Select); coding-DNA position 8392, A replaced by G.
Protein change: p.Thr2798Ala; replaces threonine 2798 with alanine.
Molecular consequence: missense variant.
Genome position (GRCh38, 1-based): chrX:53,554,735, T>C on the plus strand (A>G on the coding strand, the complement: HUWE1 is on the minus strand). VCF-style: chrX-53554735-T-C. GRCh37 (hg19) VCF-style: chrX-53581696-T-C.
Other names: c.8389A>G, p.Thr2797Ala (NM_001441048.1, NM_001441051.1, NM_001441053.1 and 2 more transcripts); c.8392A>G, p.Thr2798Ala (NM_001441049.1, NM_001441054.1, NM_001441057.1); c.8413A>G, p.Thr2805Ala (NM_001441050.1, NM_001441055.1); c.7990A>G, p.Thr2664Ala (NM_001441052.1); short protein forms T2664A, T2797A, T2798A, T2805A.
Identifiers: ClinVar variation 5039263 (VCV005039263.1).